The following is an entry in ClinVar:

ClinVar aggregate classification (germline): Uncertain significance. Review status: criteria provided, multiple submitters, no conflicts (2 of 4 stars). 2 submissions from 2 submitters: Uncertain significance (2). Last evaluated 2022-07-19.

Conditions:
Inborn genetic diseases. Identifiers: MedGen C0950123, MeSH D030342.
Developmental and epileptic encephalopathy, 8 (DEE8). Also called: HYPEREKPLEXIA AND EPILEPSY. Identifiers: Orphanet 163985, Orphanet 2076, MedGen C1845102, MONDO:0010375, OMIM 300607.

Submissions (2):

Labcorp Genetics (formerly Invitae), Labcorp
Classification: Uncertain significance for Developmental and epileptic encephalopathy, 8. Last evaluated: 2022-07-19. Review status: criteria provided, single submitter. Criteria: Invitae Variant Classification Sherloc (09022015). Collection method: clinical testing. Allele origin: germline.
Comment: In summary, the available evidence is currently insufficient to determine the role of this variant in disease. Therefore, it has been classified as a Variant of Uncertain Significance. Algorithms developed to predict the effect of missense changes on protein structure and function are either unavailable or do not agree on the potential impact of this missense change (SIFT: "Deleterious"; PolyPhen-2: "Probably Damaging"; Align-GVGD: "Class C0"). ClinVar contains an entry for this variant (Variation ID: 1006471). This variant has not been reported in the literature in individuals affected with ARHGEF9-related conditions. This variant is not present in population databases (gnomAD no frequency). This sequence change replaces histidine, which is basic and polar, with tyrosine, which is neutral and polar, at codon 264 of the ARHGEF9 protein (p.His264Tyr).

Ambry Genetics
Classification: Uncertain significance for Inborn genetic diseases. Last evaluated: 2018-10-23. Review status: criteria provided, single submitter. Criteria: Ambry Variant Classification Scheme 2023. Collection method: clinical testing. Allele origin: germline.
Comment: The p.H264Y variant (also known as c.790C>T), located in coding exon 5 of the ARHGEF9 gene, results from a C to T substitution at nucleotide position 790. The histidine at codon 264 is replaced by tyrosine, an amino acid with similar properties. This amino acid position is highly conserved in available vertebrate species. In addition, this alteration is predicted to be deleterious by in silico analysis. Since supporting evidence is limited at this time, the clinical significance of this alteration remains unclear.

NM_001353921.2(ARHGEF9):c.811C>T (p.His271Tyr)

Gene: ARHGEF9 (Cdc42 guanine nucleotide exchange factor 9; minus strand). Cytogenetic location: Xq11.1.
Variant type: single nucleotide variant.
Coding change: c.811C>T on transcript NM_001353921.2 (MANE Select); coding-DNA position 811, C replaced by T.
Protein change: p.His271Tyr; replaces histidine 271 with tyrosine.
Molecular consequence: missense variant.
Genome position (GRCh38, 1-based): chrX:63,678,344, G>A on the plus strand (C>T on the coding strand, the complement: ARHGEF9 is on the minus strand). VCF-style: chrX-63678344-G-A. GRCh37 (hg19) VCF-style: chrX-62898224-G-A.
Other names: c.631C>T, p.His211Tyr (NM_001173479.2); c.484C>T, p.His162Tyr (NM_001173480.2, NM_001369042.1); c.727C>T, p.His243Tyr (NM_001330495.2, NM_001353927.2, NM_001369033.1 and 8 more transcripts); c.811C>T, p.His271Tyr (NM_001353922.2); c.829C>T, p.His277Tyr (NM_001353923.1); c.610C>T, p.His204Tyr (NM_001353924.2, NM_001353926.2, NM_001369039.1 and 1 more transcripts); c.790C>T, p.His264Tyr (NM_001353928.2, NM_001369030.1, NM_001369031.1 and 2 more transcripts); c.376C>T, p.His126Tyr (NM_001369045.1); short protein forms H126Y, H162Y, H204Y, H211Y, H243Y, H264Y, H271Y, H277Y.
Identifiers: ClinVar variation 1006471 (VCV001006471.11), dbSNP rs2050403490, ClinGen allele CA413406229.